The following is an entry in ClinVar:

ClinVar aggregate classification (germline): Uncertain significance. Review status: criteria provided, multiple submitters, no conflicts (2 of 4 stars). 2 submissions from 2 submitters: Uncertain significance (2). Last evaluated 2022-12-13.

Conditions:
Inborn genetic diseases. Identifiers: MedGen C0950123, MeSH D030342.

Allele frequency attached by ClinVar (database versions not stated): ExAC 0.00001; gnomAD exomes 0.00001; TOPMed 0.00002; gnomAD 0.00003 and 0.00004; ESP Exome Variant Server 0.00008.
gnomAD v4.1: 18 of 1,613,646 alleles (0.0011%); highest among the groups gnomAD compares: Admixed American, 0.0017%; no homozygotes.

Submissions (2):

Ambry Genetics
Classification: Uncertain significance for Inborn genetic diseases. Last evaluated: 2022-12-13. Review status: criteria provided, single submitter. Criteria: Ambry Variant Classification Scheme 2023. Collection method: clinical testing. Allele origin: germline.

Labcorp Genetics (formerly Invitae), Labcorp
Classification: Uncertain significance. Last evaluated: 2021-08-19. Review status: criteria provided, single submitter. Criteria: Invitae Variant Classification Sherloc (09022015). Collection method: clinical testing. Allele origin: germline.
Comment: This variant is present in population databases (rs141041145, ExAC 0.002%). This sequence change replaces valine with alanine at codon 14 of the CDC45 protein (p.Val14Ala). The valine residue is moderately conserved and there is a small physicochemical difference between valine and alanine. This variant has not been reported in the literature in individuals with CDC45-related conditions. In summary, the available evidence is currently insufficient to determine the role of this variant in disease. Therefore, it has been classified as a Variant of Uncertain Significance. Algorithms developed to predict the effect of missense changes on protein structure and function are either unavailable or do not agree on the potential impact of this missense change (SIFT: "Deleterious"; PolyPhen-2: "Benign"; Align-GVGD: "Class C0").

NM_003504.5(CDC45):c.41T>C (p.Val14Ala)

Gene: CDC45 (cell division cycle 45; plus strand). Cytogenetic location: 22q11.21.
Variant type: single nucleotide variant.
Coding change: c.41T>C on transcript NM_003504.5 (MANE Select); coding-DNA position 41, T replaced by C.
Protein change: p.Val14Ala; replaces valine 14 with alanine.
Molecular consequence: missense variant. On other transcripts: non-coding transcript variant (1), intron variant (1).
Genome position (GRCh38, 1-based): chr22:19,480,009, T>C. VCF-style: chr22-19480009-T-C. GRCh37 (hg19) VCF-style: chr22-19467532-T-C.
Other names: c.41T>C, p.Val14Ala (NM_001178010.2, NM_001178011.2); c.16-149T>C (NM_001369291.1); c.41T>C (NM_001178010.1); short protein forms V14A.
Identifiers: ClinVar variation 1511081 (VCV001511081.8), dbSNP rs141041145, ClinGen allele CA10100890.